The following is an entry in ClinVar:

NM_033100.4(CDHR1):c.783G>A (p.Pro261=)

Gene: CDHR1 (cadherin related family member 1; plus strand). Cytogenetic location: 10q23.1.
Variant type: single nucleotide variant.
Coding change: c.783G>A on transcript NM_033100.4 (MANE Select); coding-DNA position 783, G replaced by A.
Protein change: p.Pro261=; no amino-acid change (proline 261 retained).
Molecular consequence: synonymous variant.
Genome position (GRCh38, 1-based): chr10:84,203,123, G>A. VCF-style: chr10-84203123-G-A. GRCh37 (hg19) VCF-style: chr10-85962879-G-A.
Other names: NM_033100.4(CDHR1):c.783G>A; p.Pro261=; c.783G>A, p.Pro261= (NM_001171971.3).
Identifiers: ClinVar variation 301224 (VCV000301224.97), dbSNP rs147346345, ClinGen allele CA5579673.

ClinVar aggregate classification (germline): Conflicting classifications of pathogenicity. Review status: criteria provided, conflicting classifications (1 of 4 stars). 29 submissions from 25 submitters: Pathogenic (3); Likely pathogenic (14); Uncertain significance (8). 4 of the submissions do not count toward it. Last evaluated 2026-10-17.

Conditions:
CDHR1-related disorder. Also called: CDHR1-related condition.
CDHR1-related disorders.
Macular dystrophy, retinal, 5. Identifiers: MedGen C5829994, MONDO:0700381.
Optic atrophy. Identifiers: MedGen C0029124, MONDO:0003608, HP:0000648.
Retinal dystrophy. Also called: Inherited retinal dystrophy. Identifiers: Orphanet 71862, MedGen C0854723, MeSH D058499, MONDO:0019118, HP:0000556.
Retinitis pigmentosa 65 (RP65). Identifiers: MedGen C3552852, MONDO:0800352.
Retinitis pigmentosa (RP). Identifiers: Orphanet 791, MedGen C0035334, MeSH D012174, MONDO:0019200, OMIM 268000. Inheritance: Autosomal dominant, autosomal recessive and X linked inheritance.
Retinal disorder. Also called: Retinal disorders; Retinopathies; Retinal Diseases; Retinopathy. Identifiers: MedGen C0035309, MONDO:0005283, HP:0000488.
Cone-rod dystrophy 15 (CORD15). Identifiers: MedGen C3150912, MONDO:0013348, OMIM 613660.

Allele frequency attached by ClinVar (database versions not stated): 1000 Genomes Project 0.00100; 1000 Genomes Project 30x 0.00094; gnomAD 0.00446; TOPMed 0.00170; ESP Exome Variant Server 0.00231.
gnomAD v4.1: 3,821 of 1,614,180 alleles (0.24%); highest among the groups gnomAD compares: Non-Finnish European, 0.27%; 17 homozygotes.

Submissions 1 to 12 of 40:

Department of Molecular Genetics, Istishari Arab Hospital
Classification: Likely pathogenic for Cone-rod dystrophy 15. Last evaluated: 2026-10-17. Review status: criteria provided, single submitter. Criteria: ACMG Guidelines, 2015. Collection method: clinical testing. Allele origin: germline. Inheritance: Autosomal recessive inheritance. Affected: yes.
Comment: The CDHR1 c.783G>A, p.(Pro261=) variant affects the final nucleotide of exon 8 and has been experimentally demonstrated to cause in-frame exon 8 skipping (PMID: 28765526), resulting in deletion of 48 amino acids affecting cadherin ectodomains 2 and 3. It has been reported in homozygous and compound-heterozygous states in numerous individuals with CDHR1-related retinal dystrophy (PMID: 23591405‚ 28224992‚ 28765526‚ 28885867‚ 29555955‚ 30718709‚ 31387115‚ 32037395‚ 32531858‚ 32681094‚ 34327195‚ 34426522‚ 34795310‚ 35260635‚ 35836572‚ 36259723‚ 36460718). This variant represents a hypomorphic allele associated predominantly with mild, late-onset macular retinal disease and reduced penetrance (ClinGen Curation ID: CCID:008855). It is classified as likely pathogenic according to ACMG/AMP and ClinGen SVI recommendations.

CeGaT Center for Human Genetics Tuebingen
Classification: Pathogenic. Last evaluated: 2026-09-01. Review status: criteria provided, single submitter. Criteria: CeGaT Center For Human Genetics Tuebingen Variant Classification Criteria Version 2. Collection method: clinical testing. Allele origin: germline. Affected: yes. Observed: 30 variant alleles.
Comment: CDHR1: PM3:Very Strong, PP1:Strong, PVS1:Strong, PM2:Supporting

PreventionGenetics, part of Exact Sciences
Classification: Likely pathogenic for CDHR1-related condition. Last evaluated: 2026-08-11. Review status: criteria provided, single submitter. Criteria: ACMG Guidelines, 2015. Collection method: clinical testing. Allele origin: germline.
Comment: The CDHR1 c.783G>A variant is not predicted to result in an amino acid change (p.=). This variant has been reported in the homozygous and compound heterozygous states in many individuals with mild, late-onset CDHR1-related retinopathies (for example, see Tables S1 & S5, Glöckle et al. 2014. PubMed ID: 23591405; Ba-Abbad et al. 2020. PubMed ID: 32681094; Malechka et al. 2022. PubMed ID: 35627310). It has also been shown to co-segregate with disease in multiple families and shown to lead to a macula-specific phenotype (Bessette et al. 2018. PubMed ID: 28885867; Charbel Issa et al. 2019. PubMed ID: 31387115). RT-PCR analysis has demonstrated that this variant abolishes splicing at the adjacent canonical splice donor site, leading to exon 8 skipping and an in-frame deletion of 48 amino acids (Stingl et al. 2017. PubMed ID: 28765526). This variant has been reported in 0.31% of total alleles (863 of 282,802) in gnomAD, including four homozygotes, indicating this variant is relatively common. This variant has been previously described as potentially hypomorphic (Stingl et al. 2017. PubMed ID: 28765526; Fadaie et al. 2021. PubMed ID: 34795310). Taken together, we interpret the c.783G>A variant as likely pathogenic for mild, late-onset disease or typical disease presentation when in trans with a more severe variant.

3billion
Classification: Likely pathogenic for Cone-rod dystrophy 15. Last evaluated: 2026-05-15. Review status: criteria provided, single submitter. Criteria: ACMG Guidelines, 2015. Collection method: clinical testing. Allele origin: germline. Inheritance: Autosomal recessive inheritance. Affected: yes.
Comment: The variant is observed in the gnomAD v4.1.0 dataset (total allele frequency: 0.237%). Predicted Consequence/Location: Synonymous variant. In silico tool predicts the variant to alter splicing and produce an abnormal transcript [SpliceAI: 0.68 (>=0.2, moderate evidence for spliceogenicity)]. The variant has been reported to be in trans (confirmed or potential) with an additional pathogenic variant or VUS in at least one similarly affected unrelated individual (PMID: 23591405, 28765526 / 3billion dataset). The variant has been reported at least twice as pathogenic without evidence for the classification (ClinVar ID: VCV000301224 / PMID: 23591405, 29555955). Therefore, this variant is classified as Likely pathogenic (PM3_S, PP3_P, PP5_M) according to the recommendation of ACMG/AMP guideline.

Labcorp Genetics (formerly Invitae), Labcorp
Classification: Likely pathogenic. Last evaluated: 2026-01-26. Review status: criteria provided, single submitter. Criteria: Invitae Variant Classification Sherloc (09022015). Collection method: clinical testing. Allele origin: germline.
Comment: This sequence change affects codon 261 of the CDHR1 mRNA. It is a 'silent' change, meaning that it does not change the encoded amino acid sequence of the CDHR1 protein. RNA analysis indicates that this variant induces altered splicing and likely results in a shortened protein product. This variant is present in population databases (rs147346345, gnomAD 0.6%), including at least one homozygous and/or hemizygous individual. This variant has been observed in individual(s) with retinal dystrophy (PMID: 23591405, 28765526, 28885867, 31387115, 32681094, 33546218, 34795310, 37510321, 37734845, 38219857). It has also been observed to segregate with disease in related individuals. ClinVar contains an entry for this variant (Variation ID: 301224). Variants that disrupt the consensus splice site are a relatively common cause of aberrant splicing (PMID: 17576681, 9536098). Studies have shown that this variant results in skipping of exon 8, but is expected to preserve the integrity of the reading-frame (PMID: 28765526, 31387115). In summary, the currently available evidence indicates that the variant is pathogenic, but additional data are needed to prove that conclusively. Therefore, this variant has been classified as Likely Pathogenic.

Genetics Laboratory, Great Ormond Street Hospital NHS Foundation Trust, North Thames Genomic Laboratory Hub
Classification: Likely pathogenic for Retinal disorders. Last evaluated: 2026-01-07. Review status: criteria provided, single submitter. Criteria: ACGS Best Practice Guidelines for Variant Classification in Rare Disease 2024 v1.2. Collection method: clinical testing. Allele origin: germline. Affected: yes.
Comment: PVS1_moderate, PP1_supporting, PM3_strong

Institute of Human Genetics Munich, TUM University Hospital
Classification: Likely pathogenic for Cone-rod dystrophy 15. Last evaluated: 2025-08-14. Review status: criteria provided, single submitter. Criteria: Classification criteria August 2017. Collection method: clinical testing. Allele origin: germline. Inheritance: Autosomal recessive inheritance. Affected: yes. Observed: 1 variant allele.

First Genomix Gene Laboratory, Genetic Diagnostics Department
Classification: Likely pathogenic for Cone-rod dystrophy 15. Last evaluated: 2025-01-28. Review status: criteria provided, single submitter. Criteria: ACMG Guidelines, 2015. Collection method: clinical testing. Allele origin: germline. Inheritance: Autosomal recessive inheritance. Affected: no. Observed: 1 variant allele.

Blueprint Genetics
Classification: Pathogenic for CDHR1-related disorders. Last evaluated: 2024-11-27. Review status: criteria provided, single submitter. Criteria: ACMG Guidelines, 2015. Collection method: clinical testing. Allele origin: germline. Affected: yes. Observed: 5 variant alleles.

GeneDx
Classification: Uncertain significance. Last evaluated: 2024-10-30. Review status: criteria provided, single submitter. Criteria: GeneDx Variant Classification Process June 2021. Collection method: clinical testing. Allele origin: germline. Affected: yes.
Comment: Observed multiple times with a second CDHR1 variant in unrelated patients with features of a CDHR1-related retinal dystrophy and suggested to represent a hypomorphic variant (PMID: 31387115, 28765526, 32681094, 23591405); Individuals homozygous for c.783G>A had a mild and late-onset macular dystrophy, which may account for the observance of homozygous individuals in large population cohorts (PMID: 28765526, 28885867, 31387115, 34795310, 32681094); Published RNA studies suggest this variant results in a damaging effect with skipping of exon 8 (PMID: 28765526); In silico analysis supports a deleterious effect on splicing; This variant is associated with the following publications: (PMID: 37510321, 35260635, 36259723, 36460718, 37734845, 23591405, 28885867, 28224992, 28765526, 30718709, 34426522, 31387115, 34795310, 32681094, 35836572, 32037395, 29555955, 34327195, 32531858, 38927562, 36837600, 38540785, 33546218)

Revvity Omics, Revvity
Classification: Uncertain significance for Cone-rod dystrophy 15. Last evaluated: 2024-02-15. Review status: criteria provided, single submitter. Criteria: ACMG Guidelines, 2015. Collection method: clinical testing. Allele origin: germline.

Department of Pathology and Laboratory Medicine, Sinai Health System
Classification: Uncertain significance for cone-rod dystrophy 15. Last evaluated: 2023-04-03. Review status: criteria provided, single submitter. Criteria: ACMG Guidelines, 2015. Collection method: research. Allele origin: germline.